The following is an entry in ClinVar:

NM_000373.4(UMPS):c.929T>C (p.Phe310Ser)

Gene: UMPS (uridine monophosphate synthetase; plus strand). Cytogenetic location: 3q21.2.
Variant type: single nucleotide variant.
Coding change: c.929T>C on transcript NM_000373.4 (MANE Select); coding-DNA position 929, T replaced by C.
Protein change: p.Phe310Ser; replaces phenylalanine 310 with serine.
Molecular consequence: missense variant. On other transcripts: non-coding transcript variant (2).
Genome position (GRCh38, 1-based): chr3:124,738,186, T>C. VCF-style: chr3-124738186-T-C. GRCh37 (hg19) VCF-style: chr3-124457033-T-C.
Other names: short protein forms F310S.
Identifiers: ClinVar variation 4529511 (VCV004529511.1).

ClinVar aggregate classification (germline): Uncertain significance (1 of 4 stars; one submission).

Conditions:
Hereditary orotic aciduria. Also called: OROTATE PHOSPHORIBOSYLTRANSFERASE AND OROTIDYLIC DECARBOXYLASE DEFICIENCY; URIDINE MONOPHOSPHATE SYNTHASE DEFICIENCY; UMPS DEFICIENCY; OPRT AND ODC DEFICIENCY; UMP SYNTHASE DEFICIENCY; OROTIC ACIDURIA I. Identifiers: Orphanet 30, MedGen C0220987, MONDO:0009797, OMIM 258900.

Submission:

Henan Neurodevelopment Engineering Research Center for Children, Children's Hospital Affiliated to Zhengzhou University
Classification: Uncertain significance for Hereditary orotic aciduria. Last evaluated: 2022-12-12. Review status: criteria provided, single submitter. Criteria: ACMG Guidelines, 2015. Collection method: clinical testing. Allele origin: inherited. Inheritance: Autosomal recessive inheritance. Affected: yes. Observed: 1 variant allele, 1 compound heterozygote.
Comment: The c.929T>C variant is rare in general population databases (frequency < 0.001) and is predicted to be damaging by multiple bioinformatic tools, meeting supportive threshold criteria. Furthermore, at least one affected individual carrying this variant has displayed disease-specific clinical features, including markedly elevated urinary orotic acid levels and anemia.